The following is an entry in ClinVar:

ClinVar aggregate classification (germline): Likely benign. Review status: criteria provided, multiple submitters, no conflicts (2 of 4 stars). 2 submissions from 2 submitters: Likely benign (2). Last evaluated 2024-12-04.

Conditions:
NPHP4-related disorder. Also called: NPHP4-related condition; NPHP4-related disorders. Identifiers: MedGen CN239384.
Nephronophthisis. Also called: Juvenile Nephronophthisis. Identifiers: Orphanet 655, MedGen C0687120, MONDO:0019005, HP:0000090.

Allele frequency attached by ClinVar (database versions not stated): gnomAD exomes 0.00001; ExAC 0.00002.
gnomAD v4.1: 16 of 1,614,018 alleles (0.00099%); highest among the groups gnomAD compares: East Asian, 0.0045%; no homozygotes.

Submissions (2):

PreventionGenetics, part of Exact Sciences
Classification: Likely benign for NPHP4-related condition. Last evaluated: 2024-12-04. Review status: criteria provided, single submitter. Criteria: ACMG Guidelines, 2015. Collection method: clinical testing. Allele origin: germline.
Comment: This variant is classified as likely benign based on ACMG/AMP sequence variant interpretation guidelines (Richards et al. 2015 PMID: 25741868, with internal and published modifications).

Labcorp Genetics (formerly Invitae), Labcorp
Classification: Likely benign for Nephronophthisis. Last evaluated: 2022-05-25. Review status: criteria provided, single submitter. Criteria: Invitae Variant Classification Sherloc (09022015). Collection method: clinical testing. Allele origin: germline.

NM_015102.5(NPHP4):c.4245C>T (p.Asn1415=)

Gene: NPHP4 (nephrocystin 4; minus strand). Cytogenetic location: 1p36.31.
Variant type: single nucleotide variant.
Coding change: c.4245C>T on transcript NM_015102.5 (MANE Select); coding-DNA position 4245, C replaced by T.
Protein change: p.Asn1415=; no amino-acid change (asparagine 1415 retained).
Molecular consequence: synonymous variant. On other transcripts: non-coding transcript variant (1).
Genome position (GRCh38, 1-based): chr1:5,863,301, G>A on the plus strand (C>T on the coding strand, the complement: NPHP4 is on the minus strand). VCF-style: chr1-5863301-G-A. GRCh37 (hg19) VCF-style: chr1-5923361-G-A.
Other names: c.4245C>T (NM_015102.4); c.2706C>T, p.Asn902= (NM_001291593.2); c.2709C>T, p.Asn903= (NM_001291594.2).
Identifiers: ClinVar variation 2082279 (VCV002082279.5), dbSNP rs776373553, ClinGen allele CA553292.